The following is an entry in ClinVar:

NM_198578.4(LRRK2):c.5935G>C (p.Ala1979Pro)

Gene: LRRK2 (leucine rich repeat kinase 2; plus strand). Cytogenetic location: 12q12.
Variant type: single nucleotide variant.
Coding change: c.5935G>C on transcript NM_198578.4 (MANE Select); coding-DNA position 5935, G replaced by C.
Protein change: p.Ala1979Pro; replaces alanine 1979 with proline.
Molecular consequence: missense variant.
Genome position (GRCh38, 1-based): chr12:40,335,144, G>C. VCF-style: chr12-40335144-G-C. GRCh37 (hg19) VCF-style: chr12-40728946-G-C.
Other names: short protein forms A1979P.
Identifiers: ClinVar variation 2567364 (VCV002567364.2), dbSNP rs2499931008, ClinGen allele CA384402474.
Genomic context (GRCh38, chr12:40,335,144, plus strand): 5'-CTTCAGCAGGACAAAGCCAGCCTCACTAGAACCCTACAGCACAGGATTGCACTCCACGTA[G>C]CTGATGGTTTGAGGTAAGTAGGTCATGTTGTTTTCTATTCAGTGCATGACAAGTGTGATC-3'
Protein context (NP_940980.4, residues 1969-1989): TLQHRIALHV[Ala1979Pro]DGLRYLHSAM

ClinVar aggregate classification (germline): Uncertain significance (1 of 4 stars; one submission).

Conditions:
Inborn genetic diseases. Identifiers: MedGen C0950123, MeSH D030342.

Submission:

Ambry Genetics
Classification: Uncertain significance for Inborn genetic diseases. Last evaluated: 2023-04-18. Review status: criteria provided, single submitter. Criteria: Ambry Variant Classification Scheme 2023. Collection method: clinical testing. Allele origin: germline.
Comment: The p.A1979P variant (also known as c.5935G>C), located in coding exon 40 of the LRRK2 gene, results from a G to C substitution at nucleotide position 5935. The alanine at codon 1979 is replaced by proline, an amino acid with highly similar properties. This amino acid position is conserved. In addition, this alteration is predicted to be deleterious by in silico analysis. Since supporting evidence is limited at this time, the clinical significance of this alteration remains unclear.